The following is an entry in ClinVar:

NM_014915.3(ANKRD26):c.5107G>A (p.Val1703Ile)

Gene: ANKRD26 (ankyrin repeat domain 26; minus strand). Cytogenetic location: 10p12.1.
Variant type: single nucleotide variant.
Coding change: c.5107G>A on transcript NM_014915.3 (MANE Select); coding-DNA position 5107, G replaced by A.
Protein change: p.Val1703Ile; replaces valine 1703 with isoleucine.
Molecular consequence: missense variant.
Genome position (GRCh38, 1-based): chr10:27,005,616, C>T on the plus strand (G>A on the coding strand, the complement: ANKRD26 is on the minus strand). VCF-style: chr10-27005616-C-T. GRCh37 (hg19) VCF-style: chr10-27294545-C-T.
Other names: c.5104G>A, p.Val1702Ile (NM_001256053.2); short protein forms V1702I, V1703I.
Identifiers: ClinVar variation 2503508 (VCV002503508.5), dbSNP rs1330485324, ClinGen allele CA376352611.

ClinVar aggregate classification (germline): Conflicting classifications of pathogenicity. Review status: criteria provided, conflicting classifications (1 of 4 stars). 3 submissions from 3 submitters: Uncertain significance (2); Likely benign (1). Last evaluated 2024-12-23.

Conditions:
Inborn genetic diseases. Identifiers: MedGen C0950123, MeSH D030342.
Thrombocytopenia 2 (THC2). Also called: ANKRD26-Related Thrombocytopenia. Identifiers: Orphanet 268322, MedGen C1861185, MONDO:0008555, OMIM 188000.

Allele frequency attached by ClinVar (database versions not stated): gnomAD exomes below 0.00001.
gnomAD v4.1: 1 of 1,612,486 alleles (0.000062%); highest among the groups gnomAD compares: Admixed American, 0.0017%; no homozygotes.

Submissions (3):

Ambry Genetics
Classification: Likely benign for Inborn genetic diseases. Last evaluated: 2024-12-23. Review status: criteria provided, single submitter. Criteria: Ambry Variant Classification Scheme 2023. Collection method: clinical testing. Allele origin: germline.

St. Jude Molecular Pathology, St. Jude Children's Research Hospital
Classification: Uncertain significance for Thrombocytopenia 2. Last evaluated: 2023-03-29. Review status: criteria provided, single submitter. Criteria: St. Jude Assertion Criteria 2020. Collection method: clinical testing. Allele origin: germline.
Comment: The ANKRD26 c.5107G>A (p.Val1703Ile) missense change has a maximum subpopulation frequency of 0.0029% in gnomAD v2.1.1. This variant is not located in the 5’ UTR. The in silico tool REVEL predicts a benign effect on protein function, but to our knowledge this prediction has not been confirmed by functional studies. To our knowledge, this variant has not been reported in individuals with thrombocytopenia and/or myeloid malignancies. In summary, the evidence currently available is insufficient to determine the clinical significance of this variant. It has therefore been classified as of uncertain significance.

Labcorp Genetics (formerly Invitae), Labcorp
Classification: Uncertain significance. Last evaluated: 2023-02-15. Review status: criteria provided, single submitter. Criteria: Invitae Variant Classification Sherloc (09022015). Collection method: clinical testing. Allele origin: germline.
Comment: This sequence change replaces valine, which is neutral and non-polar, with isoleucine, which is neutral and non-polar, at codon 1703 of the ANKRD26 protein (p.Val1703Ile). This variant is present in population databases (no rsID available, gnomAD 0.003%). This variant has not been reported in the literature in individuals affected with ANKRD26-related conditions. Algorithms developed to predict the effect of missense changes on protein structure and function output the following: SIFT: "Not Available"; PolyPhen-2: "Benign"; Align-GVGD: "Not Available". The isoleucine amino acid residue is found in multiple mammalian species, which suggests that this missense change does not adversely affect protein function. In summary, the available evidence is currently insufficient to determine the role of this variant in disease. Therefore, it has been classified as a Variant of Uncertain Significance.